The following is an entry in ClinVar:

ClinVar aggregate classification (germline): Uncertain significance. Review status: criteria provided, multiple submitters, no conflicts (2 of 4 stars). 3 submissions from 3 submitters: Uncertain significance (3). Last evaluated 2024-09-23.

Conditions:
Hereditary cancer-predisposing syndrome. Also called: Neoplastic Syndromes, Hereditary; Hereditary Cancer Syndrome; Tumor predisposition; Hereditary neoplastic syndrome. Identifiers: Orphanet 140162, MedGen C0027672, MeSH D009386, MONDO:0015356.
Cardiovascular phenotype. Identifiers: MedGen CN230736.
Neurofibromatosis, type 1 (NF1). Also called: VON RECKLINGHAUSEN DISEASE; NEUROFIBROMATOSIS, TYPE I, SOMATIC; Peripheral type neurofibromatosis; Neurofibromatosis, type I. Identifiers: Orphanet 636, MedGen C0027831, MONDO:0018975, OMIM 162200. Disease mechanism: loss of function.

Allele frequency attached by ClinVar (database versions not stated): gnomAD exomes below 0.00001; TOPMed below 0.00001; ExAC 0.00001; gnomAD 0.00001.
gnomAD v4.1: 4 of 1,613,494 alleles (0.00025%); highest among the groups gnomAD compares: Admixed American, 0.0033%; no homozygotes.

Submissions (3):

Labcorp Genetics (formerly Invitae), Labcorp
Classification: Uncertain significance for Neurofibromatosis, type 1. Last evaluated: 2024-09-23. Review status: criteria provided, single submitter. Criteria: Invitae Variant Classification Sherloc (09022015). Collection method: clinical testing. Allele origin: germline.
Comment: This sequence change replaces leucine, which is neutral and non-polar, with phenylalanine, which is neutral and non-polar, at codon 1685 of the NF1 protein (p.Leu1685Phe). This variant is present in population databases (rs769087878, gnomAD 0.003%). This variant has not been reported in the literature in individuals affected with NF1-related conditions. ClinVar contains an entry for this variant (Variation ID: 656005). Invitae Evidence Modeling of protein sequence and biophysical properties (such as structural, functional, and spatial information, amino acid conservation, physicochemical variation, residue mobility, and thermodynamic stability) indicates that this missense variant is expected to disrupt NF1 protein function with a positive predictive value of 95%. Algorithms developed to predict the effect of sequence changes on RNA splicing suggest that this variant may create or strengthen a splice site. In summary, the available evidence is currently insufficient to determine the role of this variant in disease. Therefore, it has been classified as a Variant of Uncertain Significance.

CeGaT Center for Human Genetics Tuebingen
Classification: Uncertain significance. Last evaluated: 2023-02-01. Review status: criteria provided, single submitter. Criteria: CeGaT Center For Human Genetics Tuebingen Variant Classification Criteria Version 2. Collection method: clinical testing. Allele origin: germline. Affected: yes. Observed: 1 variant allele.

Ambry Genetics
Classification: Uncertain significance for Cardiovascular phenotype; Hereditary cancer-predisposing syndrome. Last evaluated: 2022-07-27. Review status: criteria provided, single submitter. Criteria: Ambry Variant Classification Scheme 2023. Collection method: clinical testing. Allele origin: germline.
Comment: The p.L1685F variant (also known as c.5053C>T), located in coding exon 36 of the NF1 gene, results from a C to T substitution at nucleotide position 5053. The leucine at codon 1685 is replaced by phenylalanine, an amino acid with highly similar properties. This alteration was identified in an individual diagnosed with breast cancer (Weitzel JN et al. Cancer, 2019 08;125:2829-2836). This amino acid position is highly conserved in available vertebrate species. In addition, this alteration is predicted to be deleterious by in silico analysis. Since supporting evidence is limited at this time, the clinical significance of this alteration remains unclear.

NM_001042492.3(NF1):c.5116C>T (p.Leu1706Phe)

Gene: NF1 (neurofibromin 1; plus strand). Cytogenetic location: 17q11.2.
Variant type: single nucleotide variant.
Coding change: c.5116C>T on transcript NM_001042492.3 (MANE Select); coding-DNA position 5116, C replaced by T.
Protein change: p.Leu1706Phe; replaces leucine 1706 with phenylalanine.
Molecular consequence: missense variant.
Genome position (GRCh38, 1-based): chr17:31,326,100, C>T. VCF-style: chr17-31326100-C-T. GRCh37 (hg19) VCF-style: chr17-29653118-C-T.
Other names: c.5053C>T, p.Leu1685Phe (NM_000267.4); short protein forms L1685F, L1706F.
Identifiers: ClinVar variation 656005 (VCV000656005.37), dbSNP rs769087878, ClinGen allele CA8487137.